The following is an entry in ClinVar:

NM_006904.7(PRKDC):c.37C>A (p.Leu13Met)

Genes: PRKDC (protein kinase, DNA-activated, catalytic subunit; minus strand), LOC129929030 (ATAC-STARR-seq lymphoblastoid silent region 19177; plus strand). Cytogenetic location: 8q11.21.
Variant type: single nucleotide variant.
Coding change: c.37C>A on transcript NM_006904.7 (MANE Select); coding-DNA position 37, C replaced by A.
Protein change: p.Leu13Met; replaces leucine 13 with methionine.
Molecular consequence: missense variant.
Genome position (GRCh38, 1-based): chr8:47,960,090, G>T on the plus strand (C>A on the coding strand, the complement: PRKDC is on the minus strand). VCF-style: chr8-47960090-G-T. GRCh37 (hg19) VCF-style: chr8-48872650-G-T.
Other names: c.37C>A, p.Leu13Met (NM_001081640.2); short protein forms L13M.
Identifiers: ClinVar variation 2564550 (VCV002564550.2), dbSNP rs761140462, ClinGen allele CA371143043.
Genomic context (GRCh38, chr8:47,960,090, plus strand): 5'-GATGACCGGCCAGGGCAGCACCGCAGCGGTCCGCAGCGGACAAGGTCTCCTGCAGCCGCA[G>T]CAGGGAGCAACGCACACCGGCTCCGGAGCCCGCCATGCCGCCGAGTCCCGCTCCCGCGCG-3'
Protein context (NP_008835.5, residues 3-23): GSGAGVRCSL[Leu13Met]RLQETLSAAD

ClinVar aggregate classification (germline): Uncertain significance (1 of 4 stars; one submission).

Submission:

Ambry Genetics
Classification: Uncertain significance. Last evaluated: 2023-05-12. Review status: criteria provided, single submitter. Criteria: Ambry Variant Classification Scheme 2023. Collection method: clinical testing. Allele origin: germline.
Comment: The p.L13M variant (also known as c.37C>A), located in coding exon 1 of the PRKDC gene, results from a C to A substitution at nucleotide position 37. The leucine at codon 13 is replaced by methionine, an amino acid with highly similar properties. This amino acid position is conserved. In addition, this alteration is predicted to be tolerated by in silico analysis. Since supporting evidence is limited at this time, the clinical significance of this alteration remains unclear.